The following is an entry in ClinVar:

ClinVar aggregate classification (germline): Uncertain significance. Review status: criteria provided, multiple submitters, no conflicts (2 of 4 stars). 2 submissions from 2 submitters: Uncertain significance (2). Last evaluated 2025-05-30.

Conditions:
Familial hypercholesterolemia. Also called: Familial hypercholesterolaemia. Identifiers: MedGen C0020445, MONDO:0005439.

Allele frequency attached by ClinVar (database versions not stated): TOPMed 0.00001.

Submissions (2):

GeneDx
Classification: Uncertain significance. Last evaluated: 2025-05-30. Review status: criteria provided, single submitter. Criteria: GeneDx Variant Classification Process June 2021. Collection method: clinical testing. Allele origin: germline. Affected: yes.
Comment: Not observed at significant frequency in large population cohorts (gnomAD); In silico analysis suggests that this missense variant does not alter protein structure/function; Has not been previously published as pathogenic or benign to our knowledge

Color Diagnostics, LLC DBA Color Health
Classification: Uncertain significance for Familial hypercholesterolemia. Last evaluated: 2023-12-05. Review status: criteria provided, single submitter. Criteria: ACMG Guidelines, 2015. Collection method: clinical testing. Allele origin: germline.
Comment: Variant of Uncertain Significance due to insufficient evidence: This missense variant replaces glycine with serine at codon 590 of the PCSK9 protein. Computational prediction tools and conservation analyses suggest that this variant may not impact the protein function. Computational splicing tools suggest that this variant may not impact RNA splicing. To our knowledge, functional assays have not been performed for this variant nor has this variant been reported in individuals affected with familial hypercholesterolemia in the literature. This variant has not been identified in the general population by the Genome Aggregation Database (gnomAD). Available evidence is insufficient to determine the role of this variant in disease conclusively.

NM_174936.4(PCSK9):c.1768G>A (p.Gly590Ser)

Gene: PCSK9 (proprotein convertase subtilisin/kexin type 9; plus strand). Cytogenetic location: 1p32.3.
Variant type: single nucleotide variant.
Coding change: c.1768G>A on transcript NM_174936.4 (MANE Select); coding-DNA position 1768, G replaced by A.
Protein change: p.Gly590Ser; replaces glycine 590 with serine.
Molecular consequence: missense variant.
Genome position (GRCh38, 1-based): chr1:55,061,461, G>A. VCF-style: chr1-55061461-G-A. GRCh37 (hg19) VCF-style: chr1-55527134-G-A.
Other names: c.1891G>A, p.Gly631Ser (NM_001407240.1); c.1810G>A, p.Gly604Ser (NM_001407241.1); c.1771G>A, p.Gly591Ser (NM_001407242.1); c.1711G>A, p.Gly571Ser (NM_001407243.1); c.1594G>A, p.Gly532Ser (NM_001407244.1); c.1576G>A, p.Gly526Ser (NM_001407245.1); c.1393G>A, p.Gly465Ser (NM_001407246.1); c.1267G>A, p.Gly423Ser (NM_001407247.1); short protein forms G590S, G465S, G526S, G532S, G604S, G423S, G571S, G591S.
Identifiers: ClinVar variation 919018 (VCV000919018.7), dbSNP rs1383528401, ClinGen allele CA340480323.
Genomic context (GRCh38, chr1:55,061,461, plus strand): 5'-GACCTTGGCACCCACAAGCCGCCTGTGCTGAGGCCACGAGGTCAGCCCAACCAGTGCGTG[G>A]GCCACAGGGAGGCCAGCATCCACGCTTCCTGCTGCCATGCCCCAGGTCTGGAATGCAAAG-3'
Protein context (NP_777596.2, residues 580-600): RPRGQPNQCV[Gly590Ser]HREASIHASC